The following is an entry in ClinVar:

ClinVar aggregate classification (germline): Uncertain significance (1 of 4 stars; one submission).

Conditions:
Primary dilated cardiomyopathy (DCM). Also called: Dilated Cardiomyopathy. Identifiers: Orphanet 217604, MedGen C0007193, MeSH D002311, MONDO:0005021, HP:0001644. Inheritance: Various modes of inheritance.
Hypertrophic cardiomyopathy. Also called: HYPERTROPHIC MYOCARDIOPATHY. Identifiers: Orphanet 217569, MedGen C0007194, MeSH D002312, MONDO:0005045, HP:0001639.

Allele frequency attached by ClinVar (database versions not stated): ExAC 0.00001.
gnomAD v4.1: 2 of 1,614,158 alleles (0.00012%); highest among the groups gnomAD compares: Non-Finnish European, 0.00017%; no homozygotes.

Submission:

Labcorp Genetics (formerly Invitae), Labcorp
Classification: Uncertain significance for Hypertrophic cardiomyopathy; Primary dilated cardiomyopathy. Last evaluated: 2023-12-18. Review status: criteria provided, single submitter. Criteria: Invitae Variant Classification Sherloc (09022015). Collection method: clinical testing. Allele origin: germline.
Comment: This sequence change replaces serine, which is neutral and polar, with asparagine, which is neutral and polar, at codon 273 of the PDLIM3 protein (p.Ser273Asn). This variant is present in population databases (rs759639015, gnomAD 0.0009%). This variant has not been reported in the literature in individuals affected with PDLIM3-related conditions. Advanced modeling of protein sequence and biophysical properties (such as structural, functional, and spatial information, amino acid conservation, physicochemical variation, residue mobility, and thermodynamic stability) performed at Invitae indicates that this missense variant is not expected to disrupt PDLIM3 protein function with a negative predictive value of 80%. In summary, the available evidence is currently insufficient to determine the role of this variant in disease. Therefore, it has been classified as a Variant of Uncertain Significance.

NM_014476.6(PDLIM3):c.818G>A (p.Ser273Asn)

Gene: PDLIM3 (PDZ and LIM domain 3; minus strand). Cytogenetic location: 4q35.1.
Variant type: single nucleotide variant.
Coding change: c.818G>A on transcript NM_014476.6 (MANE Select); coding-DNA position 818, G replaced by A.
Protein change: p.Ser273Asn; replaces serine 273 with asparagine.
Molecular consequence: missense variant. On other transcripts: non-coding transcript variant (1).
Genome position (GRCh38, 1-based): chr4:185,504,562, C>T on the plus strand (G>A on the coding strand, the complement: PDLIM3 is on the minus strand). VCF-style: chr4-185504562-C-T. GRCh37 (hg19) VCF-style: chr4-186425716-C-T.
Other names: c.674G>A, p.Ser225Asn (NM_001114107.5); c.554G>A, p.Ser185Asn (NM_001257962.2); c.317G>A, p.Ser106Asn (NM_001257963.2); short protein forms S106N, S225N, S273N, S185N.
Identifiers: ClinVar variation 2926769 (VCV002926769.3), dbSNP rs759639015, ClinGen allele CA3159675.